The following is an entry in ClinVar:

NM_001111125.3(IQSEC2):c.1613C>T (p.Pro538Leu)

Gene: IQSEC2 (IQ motif and Sec7 domain ArfGEF 2; minus strand). Cytogenetic location: Xp11.22.
Variant type: single nucleotide variant.
Coding change: c.1613C>T on transcript NM_001111125.3 (MANE Select); coding-DNA position 1613, C replaced by T.
Protein change: p.Pro538Leu; replaces proline 538 with leucine.
Molecular consequence: missense variant.
Genome position (GRCh38, 1-based): chrX:53,250,963, G>A on the plus strand (C>T on the coding strand, the complement: IQSEC2 is on the minus strand). VCF-style: chrX-53250963-G-A. GRCh37 (hg19) VCF-style: chrX-53280145-G-A.
Other names: c.998C>T, p.Pro333Leu (NM_015075.2); short protein forms P333L, P538L.
Identifiers: ClinVar variation 1362706 (VCV001362706.8), dbSNP rs2147102395, ClinGen allele CA413165057.
Genomic context (GRCh38, chrX:53,250,963, plus strand): 5'-ACTGGTGGAGGAACTGGCGGGAGAGGGGCTGGCGCCCAGAACTCGGGCCGGCCCTGGGGT[G>A]GGGGTTCTGTGCTGGGCAGTCGCTCAGGGGATTGTTGGGGAACTGTGTCATCCAGGTAGA-3'
Protein context (NP_001104595.1, residues 528-548): SPERLPSTEP[Pro538Leu]PQGRPEFWAP

ClinVar aggregate classification (germline): Uncertain significance (1 of 4 stars; one submission).

Conditions:
Intellectual developmental disorder, X-linked 1. Also called: Atkin Flaitz Patil Smith syndrome; Intellectual disability, X-linked 1; MENTAL RETARDATION, X-LINKED 18; MENTAL RETARDATION, X-LINKED 78. Identifiers: Orphanet 777, MedGen C2931498, MONDO:0010656, OMIM 309530.

Submission:

Labcorp Genetics (formerly Invitae), Labcorp
Classification: Uncertain significance for Intellectual developmental disorder, X-linked 1. Last evaluated: 2025-09-02. Review status: criteria provided, single submitter. Criteria: Invitae Variant Classification Sherloc (09022015). Collection method: clinical testing. Allele origin: germline.
Comment: This sequence change replaces proline, which is neutral and non-polar, with leucine, which is neutral and non-polar, at codon 538 of the IQSEC2 protein (p.Pro538Leu). This variant is not present in population databases (gnomAD no frequency). This variant has not been reported in the literature in individuals affected with IQSEC2-related conditions. ClinVar contains an entry for this variant (Variation ID: 1362706). Invitae Evidence Modeling of protein sequence and biophysical properties (such as structural, functional, and spatial information, amino acid conservation, physicochemical variation, residue mobility, and thermodynamic stability) indicates that this missense variant is not expected to disrupt IQSEC2 protein function with a negative predictive value of 95%. In summary, the available evidence is currently insufficient to determine the role of this variant in disease. Therefore, it has been classified as a Variant of Uncertain Significance.